The following is an entry in ClinVar:

ClinVar aggregate classification (germline): Conflicting classifications of pathogenicity. Review status: criteria provided, conflicting classifications (1 of 4 stars). 8 submissions from 8 submitters: Uncertain significance (1); Benign (6). 1 of the submissions does not count toward it. Last evaluated 2026-02-01.

Conditions:
Autosomal recessive nonsyndromic hearing loss 77. Identifiers: Orphanet 90636, MedGen C2746083, MONDO:0013119, OMIM 613079.

Allele frequency attached by ClinVar (database versions not stated): gnomAD exomes 0.00211 and 0.00495; ExAC 0.00873; gnomAD 0.01931 and 0.02057; ESP Exome Variant Server 0.01993; 1000 Genomes Project 0.01997; 1000 Genomes Project 30x 0.02092; TOPMed 0.02257.
gnomAD v4.1: 5,998 of 1,551,654 alleles (0.39%); highest among the groups gnomAD compares: African/African-American, 6.7%; 170 homozygotes.

Submissions (8):

Labcorp Genetics (formerly Invitae), Labcorp
Classification: Benign. Last evaluated: 2026-02-01. Review status: criteria provided, single submitter. Criteria: Invitae Variant Classification Sherloc (09022015). Collection method: clinical testing. Allele origin: germline.

ARUP Laboratories, Molecular Genetics and Genomics, ARUP Laboratories
Classification: Benign for Autosomal recessive nonsyndromic hearing loss 77. Last evaluated: 2022-03-01. Review status: criteria provided, single submitter. Criteria: ARUP Molecular Germline Variant Investigation Process 2021. Collection method: clinical testing. Allele origin: germline.

Athena Diagnostics
Classification: Benign. Last evaluated: 2018-11-26. Review status: criteria provided, single submitter. Criteria: Athena Diagnostics Criteria. Collection method: clinical testing. Allele origin: germline.

GeneDx
Classification: Benign. Last evaluated: 2017-12-18. Review status: criteria provided, single submitter. Criteria: GeneDx Variant Classification (06012015). Collection method: clinical testing. Allele origin: germline. Affected: yes.
Comment: This variant is considered likely benign or benign based on one or more of the following criteria: it is a conservative change, it occurs at a poorly conserved position in the protein, it is predicted to be benign by multiple in silico algorithms, and/or has population frequency not consistent with disease.

Illumina Laboratory Services, Illumina
Classification: Uncertain significance for Autosomal recessive nonsyndromic hearing loss 77. Last evaluated: 2017-04-27. Review status: criteria provided, single submitter. Criteria: ICSL Variant Classification Criteria 13 December 2019. Collection method: clinical testing. Allele origin: germline.

Laboratory for Molecular Medicine, Mass General Brigham Personalized Medicine
Classification: Benign. Last evaluated: 2012-05-07. Review status: criteria provided, single submitter. Criteria: LMM Criteria. Collection method: clinical testing. Allele origin: germline. Observed: 40 variant alleles.
Comment: "Gly322Gly in Exon 08 of LOXHD1: This variant is not expected to have clinical s ignificance because it does not alter an amino acid residue, is not located with in the splice consensus sequence, and has been identified in 6.3% (44/702) of Af rican American chromosomes from a broad population by the NHLBI Exome Sequencing Project (dbSNP rs114082868)."

PreventionGenetics, part of Exact Sciences
Classification: Benign. Review status: criteria provided, single submitter. Criteria: ACMG Guidelines, 2015. Collection method: clinical testing. Allele origin: germline.

Natera, Inc.
Classification: Benign for Autosomal recessive deafness type 77. Last evaluated: 2020-09-16. Review status: no assertion criteria provided. Collection method: clinical testing. Allele origin: germline. Not counted in ClinVar's aggregate classification.

NM_001384474.1(LOXHD1):c.966G>C (p.Gly322=)

Gene: LOXHD1 (lipoxygenase homology PLAT domains 1; minus strand). Cytogenetic location: 18q21.1.
Variant type: single nucleotide variant.
Coding change: c.966G>C on transcript NM_001384474.1 (MANE Select); coding-DNA position 966, G replaced by C.
Protein change: p.Gly322=; no amino-acid change (glycine 322 retained).
Molecular consequence: synonymous variant.
Genome position (GRCh38, 1-based): chr18:46,601,385, C>G on the plus strand (G>C on the coding strand, the complement: LOXHD1 is on the minus strand). VCF-style: chr18-46601385-C-G. GRCh37 (hg19) VCF-style: chr18-44181348-C-G.
Other names: c.966G>C, p.Gly322= (NM_144612.7).
Identifiers: ClinVar variation 178615 (VCV000178615.32), dbSNP rs114082868, ClinGen allele CA182669.
Genomic context (GRCh38, chr18:46,601,385, plus strand): 5'-GCCTCGGTCAAACACGCCGCCCTCCAGGAAGATTTTCCCACTGTTCTTATTCCCTCTGGC[C>G]CCATACATGACCAAGTAGATTTTGGATTTGGTACCAGCCCCCCGGACATCCCCAGTGAAG-3'
Protein context (NP_001371403.1, residues 312-332): TKSKIYLVMY[Gly322=]ARGNKNSGKI